The following is an entry in ClinVar:

ClinVar aggregate classification (germline): Uncertain significance (1 of 4 stars; one submission).

Conditions:
Hereditary cancer-predisposing syndrome. Also called: Neoplastic Syndromes, Hereditary; Tumor predisposition; Hereditary Cancer Syndrome; Hereditary neoplastic syndrome. Identifiers: Orphanet 140162, MedGen C0027672, MeSH D009386, MONDO:0015356.

Submission:

Ambry Genetics
Classification: Uncertain significance for Hereditary cancer-predisposing syndrome. Last evaluated: 2026-04-26. Review status: criteria provided, single submitter. Criteria: Ambry Variant Classification Scheme 2023. Collection method: clinical testing. Allele origin: germline.
Comment: The p.A26G variant (also known as c.77C>G), located in coding exon 1 of the SMARCA4 gene, results from a C to G substitution at nucleotide position 77. The alanine at codon 26 is replaced by glycine, an amino acid with similar properties. This amino acid position is conserved. In addition, this alteration is predicted to be tolerated by in silico analysis. Based on the available evidence, the clinical significance of this variant remains unclear.

NM_003072.5(SMARCA4):c.77C>G (p.Ala26Gly)

Gene: SMARCA4 (SWI/SNF related BAF chromatin remodeling complex subunit ATPase 4; plus strand). Cytogenetic location: 19p13.2.
Variant type: single nucleotide variant.
Coding change: c.77C>G on transcript NM_003072.5 (MANE Select); coding-DNA position 77, C replaced by G.
Protein change: p.Ala26Gly; replaces alanine 26 with glycine.
Molecular consequence: missense variant. On other transcripts: non-coding transcript variant (1).
Genome position (GRCh38, 1-based): chr19:10,984,228, C>G. VCF-style: chr19-10984228-C-G. GRCh37 (hg19) VCF-style: chr19-11094904-C-G.
Other names: c.77C>G, p.Ala26Gly (NM_001128847.4, NM_001128848.2, NM_001128849.3 and 6 more transcripts); short protein forms A26G.
Identifiers: ClinVar variation 4864769 (VCV004864769.1).
Genomic context (GRCh38, chr19:10,984,228, plus strand): 5'-CACCCCTGGGCGGAACTCCTCGGCCAGGTCCTTCCCCGGGCCCTGGCCCTTCCCCTGGAG[C>G]CATGCTGGGCCCTAGCCCGGGTCCCTCGCCGGGCTCCGCCCACAGCATGATGGGGCCCAG-3'
Protein context (NP_003063.2, residues 16-36): PSPGPGPSPG[Ala26Gly]MLGPSPGPSP